The following is an entry in ClinVar:

ClinVar aggregate classification (germline): Uncertain significance (1 of 4 stars; one submission).

Submission:

Women's Health and Genetics/Laboratory Corporation of America, LabCorp
Classification: Uncertain significance. Last evaluated: 2025-11-18. Review status: criteria provided, single submitter. Criteria: LabCorp Variant Classification Summary - May 2015. Collection method: clinical testing. Allele origin: germline.
Comment: Variant summary: PLOD1 c.*16C>G is located in the untranslated mRNA region downstream of the termination codon. The variant was absent in 251336 control chromosomes. The available data on variant occurrences in the general population are insufficient to allow any conclusion about variant significance. To our knowledge, no occurrence of c.*16C>G in individuals affected with PLOD1-related conditions and no experimental evidence demonstrating its impact on protein function have been reported. No submitters have cited clinical-significance assessments for this variant to ClinVar. Based on the evidence outlined above, the variant was classified as uncertain significance.

NM_000302.4(PLOD1):c.*16C>G

Gene: PLOD1 (procollagen-lysine,2-oxoglutarate 5-dioxygenase 1; plus strand). Cytogenetic location: 1p36.22.
Variant type: single nucleotide variant.
Coding change: c.*16C>G on transcript NM_000302.4 (MANE Select); 16 bases downstream of the stop codon, C replaced by G.
Molecular consequence: 3 prime UTR variant.
Genome position (GRCh38, 1-based): chr1:11,974,824, C>G. VCF-style: chr1-11974824-C-G. GRCh37 (hg19) VCF-style: chr1-12034881-C-G.
Other names: c.*16C>G (NM_001316320.2).
Identifiers: ClinVar variation 4537331 (VCV004537331.1).